The following is an entry in ClinVar:

NM_000525.4(KCNJ11):c.526C>T (p.Arg176Cys)

Gene: KCNJ11 (potassium inwardly rectifying channel subfamily J member 11; minus strand). Cytogenetic location: 11p15.1.
Variant type: single nucleotide variant.
Coding change: c.526C>T on transcript NM_000525.4 (MANE Select); coding-DNA position 526, C replaced by T.
Protein change: p.Arg176Cys; replaces arginine 176 with cysteine.
Molecular consequence: missense variant.
Genome position (GRCh38, 1-based): chr11:17,387,566, G>A on the plus strand (C>T on the coding strand, the complement: KCNJ11 is on the minus strand). VCF-style: chr11-17387566-G-A. GRCh37 (hg19) VCF-style: chr11-17409113-G-A.
Other names: c.265C>T, p.Arg89Cys (NM_001166290.2, NM_001377296.1, NM_001377297.1); short protein forms R176C, R89C.
Identifiers: ClinVar variation 211223 (VCV000211223.16), dbSNP rs201264306, ClinGen allele CA205789.
Genomic context (GRCh38, chr11:17,387,566, plus strand): 5'-GGCGGCCGTGGCGCAGGGCGATCACCGCATGCTTGCTGAAGATGAGGGTCTCAGCCCTGC[G>A]GTGGGCTTGGGCAGTCTTCATGAAGATGCAGCCAAGCATGATGGCGTTGATCATGAGCCC-3'
Protein context (NP_000516.3, residues 166-186): CIFMKTAQAH[Arg176Cys]RAETLIFSKH

ClinVar aggregate classification (germline): Conflicting classifications of pathogenicity. Review status: criteria provided, conflicting classifications (1 of 4 stars). 7 submissions from 7 submitters: Likely pathogenic (1); Uncertain significance (6). Last evaluated 2026-01-05.

Conditions:
KCNJ11-related disorder. Also called: KCNJ11-related condition; KCNJ11-related disorders.
Maturity-onset diabetes of the young type 13. Also called: MODY, TYPE 13. Identifiers: Orphanet 552, MedGen C4225365, MONDO:0014589, OMIM 616329.
Hyperinsulinemic hypoglycemia, familial, 2. Also called: HYPERINSULINEMIC HYPOGLYCEMIA, PERSISTENT; HYPERINSULINISM, NEONATAL. Identifiers: Orphanet 276580, Orphanet 276603, MedGen C2931833, MONDO:0011153, OMIM 601820. Disease mechanism: loss of function.

Allele frequency attached by ClinVar (database versions not stated): gnomAD exomes 0.00002 and 0.00004; gnomAD 0.00008 and 0.00007; TOPMed 0.00004; ExAC 0.00005; ESP Exome Variant Server 0.00015.

Submissions (7):

Labcorp Genetics (formerly Invitae), Labcorp
Classification: Uncertain significance. Last evaluated: 2026-01-05. Review status: criteria provided, single submitter. Criteria: Invitae Variant Classification Sherloc (09022015). Collection method: clinical testing. Allele origin: germline.
Comment: This sequence change replaces arginine, which is basic and polar, with cysteine, which is neutral and slightly polar, at codon 176 of the KCNJ11 protein (p.Arg176Cys). This variant is present in population databases (rs201264306, gnomAD 0.009%). This missense change has been observed in individual(s) with diabetes mellitus (PMID: 15504982). ClinVar contains an entry for this variant (Variation ID: 211223). Invitae Evidence Modeling of protein sequence and biophysical properties (such as structural, functional, and spatial information, amino acid conservation, physicochemical variation, residue mobility, and thermodynamic stability) indicates that this missense variant is expected to disrupt KCNJ11 protein function with a positive predictive value of 95%. Experimental studies have shown that this missense change affects KCNJ11 function (PMID: 11585851). In summary, the available evidence is currently insufficient to determine the role of this variant in disease. Therefore, it has been classified as a Variant of Uncertain Significance.

Bioscientia Institut fuer Medizinische Diagnostik GmbH, Sonic Healthcare
Classification: Uncertain significance for Maturity-onset diabetes of the young type 13. Last evaluated: 2025-03-18. Review status: criteria provided, single submitter. Criteria: ACMG Guidelines, 2015. Collection method: clinical testing. Allele origin: germline. Affected: yes.

Women's Health and Genetics/Laboratory Corporation of America, LabCorp
Classification: Uncertain significance. Last evaluated: 2024-11-25. Review status: criteria provided, single submitter. Criteria: LabCorp Variant Classification Summary - May 2015. Collection method: clinical testing. Allele origin: germline.
Comment: Variant summary: KCNJ11 c.526C>T (p.Arg176Cys) results in a non-conservative amino acid change in the encoded protein sequence. Five of five in-silico tools predict a damaging effect of the variant on protein function. The variant allele was found at a frequency of 2.4e-05 in 248678 control chromosomes. The available data on variant occurrences in the general population are insufficient to allow any conclusion about variant significance. c.526C>T has been reported in the literature in individuals affected with Neonatal Diabetes Mellitus/Maturity Onset Diabetes Of The Young, but not cosegregate with disease (Flechtner_2006, Dron_2020, Edghill_2004). It has also been reported in an individual with hypertrophic Cardiomyopathy, without strong evidence for causality (Burstein_2021). These report(s) do not provide unequivocal conclusions about association of the variant with Neonatal Diabetes Mellitus/Maturity Onset Diabetes Of The Young. One publication reports experimental evidence evaluating an impact on protein function, however, does not allow convincing conclusions about the variant effect (John_2001). The following publications have been ascertained in the context of this evaluation (PMID: 32746448, 32041611, 15504982, 17296510, 11585851). ClinVar contains an entry for this variant (Variation ID: 211223). Based on the evidence outlined above, the variant was classified as uncertain significance.

PreventionGenetics, part of Exact Sciences
Classification: Uncertain significance for KCNJ11-related condition. Last evaluated: 2023-06-13. Review status: criteria provided, single submitter. Criteria: ACMG Guidelines, 2015. Collection method: clinical testing. Allele origin: germline.
Comment: The KCNJ11 c.526C>T variant is predicted to result in the amino acid substitution p.Arg176Cys. This variant has been reported in individuals with diabetes but did not segregate with disease within the family (Edghill EL et al 2004. PubMed ID: 15504982; Flechtner et al 2006. PubMed ID: 17296510). Functional studies using artificial mutation showed that this variant may affect KCNJ11 function (John SA et al 2001. PubMed ID: 11585851). This variant is reported in 0.0086% of alleles in individuals of European (Non-Finnish) descent in gnomAD. This variant is classified as variant of uncertain significance in ClinVar. At this time, the clinical significance of this variant is uncertain due to the absence of conclusive functional and genetic evidence.

Institute of Human Genetics, University of Leipzig Medical Center
Classification: Uncertain significance for Maturity-onset diabetes of the young type 13. Last evaluated: 2022-10-04. Review status: criteria provided, single submitter. Criteria: ACMG Guidelines, 2015. Collection method: clinical testing. Allele origin: unknown. Affected: yes.
Comment: _x000D_ Criteria applied: PM5_STR, PP3

Genetic Services Laboratory, University of Chicago
Classification: Uncertain significance. Last evaluated: 2013-02-08. Review status: criteria provided, single submitter. Criteria: ACMG Guidelines, 2007. Collection method: clinical testing. Allele origin: germline.

Kariminejad - Najmabadi Pathology & Genetics Center
Classification: Likely pathogenic for Hyperinsulinemic hypoglycemia, familial, 2. Review status: criteria provided, single submitter. Criteria: ACMG Guidelines, 2015. Collection method: clinical testing. Allele origin: germline. Affected: no.

Literature cited by the submitters: PubMed 15504982 (cited by Labcorp Genetics (formerly Invitae), Labcorp and Women's Health and Genetics/Laboratory Corporation of America, LabCorp); PubMed 11585851 (cited by Labcorp Genetics (formerly Invitae), Labcorp and Women's Health and Genetics/Laboratory Corporation of America, LabCorp); PubMed 17296510 (cited by Women's Health and Genetics/Laboratory Corporation of America, LabCorp); PubMed 32041611 (cited by Women's Health and Genetics/Laboratory Corporation of America, LabCorp); PubMed 32746448 (cited by Women's Health and Genetics/Laboratory Corporation of America, LabCorp).